The following is an entry in ClinVar:

ClinVar aggregate classification (germline): Uncertain significance (1 of 4 stars; one submission).

Allele frequency attached by ClinVar (database versions not stated): ExAC 0.00002; gnomAD 0.00003.

Submission:

Labcorp Genetics (formerly Invitae), Labcorp
Classification: Uncertain significance. Last evaluated: 2023-10-17. Review status: criteria provided, single submitter. Criteria: Invitae Variant Classification Sherloc (09022015). Collection method: clinical testing. Allele origin: germline.
Comment: This sequence change replaces alanine, which is neutral and non-polar, with glutamic acid, which is acidic and polar, at codon 103 of the MOCS3 protein (p.Ala103Glu). This variant is present in population databases (rs774158459, gnomAD 0.05%). This variant has not been reported in the literature in individuals affected with MOCS3-related conditions. An algorithm developed to predict the effect of missense changes on protein structure and function (PolyPhen-2) suggests that this variant is likely to be disruptive. In summary, the available evidence is currently insufficient to determine the role of this variant in disease. Therefore, it has been classified as a Variant of Uncertain Significance.

NM_014484.5(MOCS3):c.308C>A (p.Ala103Glu)

Gene: MOCS3 (molybdenum cofactor synthesis 3; plus strand). Cytogenetic location: 20q13.13.
Variant type: single nucleotide variant.
Coding change: c.308C>A on transcript NM_014484.5 (MANE Select); coding-DNA position 308, C replaced by A.
Protein change: p.Ala103Glu; replaces alanine 103 with glutamic acid.
Molecular consequence: missense variant.
Genome position (GRCh38, 1-based): chr20:50,959,150, C>A. VCF-style: chr20-50959150-C-A. GRCh37 (hg19) VCF-style: chr20-49575687-C-A.
Other names: short protein forms A103E.
Identifiers: ClinVar variation 2839545 (VCV002839545.3), dbSNP rs774158459, ClinGen allele CA9909383.
Genomic context (GRCh38, chr20:50,959,150, plus strand): 5'-CGTGCGTGCTAATCGTGGGCTGCGGTGGGCTCGGCTGTCCACTAGCGCAGTACTTGGCAG[C>A]GGCCGGCGTGGGCCGCCTTGGCCTTGTGGACTATGACGTGGTAGAGATGAGCAACCTGGC-3'
Protein context (NP_055299.1, residues 93-113): LGCPLAQYLA[Ala103Glu]AGVGRLGLVD